The following is an entry in ClinVar:

ClinVar aggregate classification (germline): Uncertain significance (1 of 4 stars; one submission).

Allele frequency attached by ClinVar (database versions not stated): gnomAD exomes below 0.00001.
gnomAD v4.1: 7 of 1,581,616 alleles (0.00044%); highest among the groups gnomAD compares: Middle Eastern, 0.017%; no homozygotes.

Submission:

Labcorp Genetics (formerly Invitae), Labcorp
Classification: Uncertain significance. Last evaluated: 2024-04-06. Review status: criteria provided, single submitter. Criteria: Invitae Variant Classification Sherloc (09022015). Collection method: clinical testing. Allele origin: germline.
Comment: This sequence change falls in intron 4 of the GATA5 gene. It does not directly change the encoded amino acid sequence of the GATA5 protein. It affects a nucleotide within the consensus splice site. This variant is not present in population databases (gnomAD no frequency). This variant has not been reported in the literature in individuals affected with GATA5-related conditions. Variants that disrupt the consensus splice site are a relatively common cause of aberrant splicing (PMID: 17576681, 9536098). Algorithms developed to predict the effect of sequence changes on RNA splicing suggest that this variant is not likely to affect RNA splicing. In summary, the available evidence is currently insufficient to determine the role of this variant in disease. Therefore, it has been classified as a Variant of Uncertain Significance.

Literature cited by the submitters: PubMed 17576681; PubMed 9536098.

NM_080473.5(GATA5):c.825+3G>A

Gene: GATA5 (GATA binding protein 5; minus strand). Cytogenetic location: 20q13.33.
Variant type: single nucleotide variant.
Coding change: c.825+3G>A on transcript NM_080473.5 (MANE Select); 3 bases into the intron after coding-DNA position 825, G replaced by A.
Molecular consequence: intron variant.
Genome position (GRCh38, 1-based): chr20:62,466,423, C>T on the plus strand (G>A on the coding strand, the complement: GATA5 is on the minus strand). VCF-style: chr20-62466423-C-T. GRCh37 (hg19) VCF-style: chr20-61041479-C-T.
Identifiers: ClinVar variation 2728277 (VCV002728277.3), dbSNP rs1218785726, ClinGen allele CA511132226.
Genomic context (GRCh38, chr20:62,466,423, plus strand): 5'-GGACGGCGCTCGCTAGGAGGCTGGACAGAGGCCTCCCCGCCCTGCCCCGGGGACCACACT[C>T]ACCCCGTGCAGCTTCATGTAGAGGCCGCAGGCATTGCACACGGGCTCCCCCTCCGAGTTC-3'